The following is an entry in ClinVar:

ClinVar aggregate classification (germline): Pathogenic/Likely pathogenic. Review status: criteria provided, multiple submitters, no conflicts (2 of 4 stars). 10 submissions from 10 submitters: Pathogenic (3); Likely pathogenic (5). 2 of the submissions do not count toward it. Last evaluated 2025-11-10.

Conditions:
BCS1L-related disorder. Also called: BCS1L-related disorders; BCS1L-related condition. Identifiers: MedGen CN239240.
Inborn genetic diseases. Identifiers: MedGen C0950123, MeSH D030342.
GRACILE syndrome (FLNMS). Also called: FELLMAN SYNDROME; FINNISH LETHAL NEONATAL METABOLIC SYNDROME. Identifiers: Orphanet 53693, MedGen C1864002, MONDO:0011308, OMIM 603358.
Pili torti-deafness syndrome (BJS). Also called: PILI TORTI AND NERVE DEAFNESS; Bjornstad syndrome. Identifiers: Orphanet 123, MedGen C0266006, MONDO:0009872, OMIM 262000.

Allele frequency attached by ClinVar (database versions not stated): ExAC 0.00003; TOPMed 0.00003.

Submissions (10):

Labcorp Genetics (formerly Invitae), Labcorp
Classification: Pathogenic. Last evaluated: 2025-11-10. Review status: criteria provided, single submitter. Criteria: Invitae Variant Classification Sherloc (09022015). Collection method: clinical testing. Allele origin: germline.
Comment: This sequence change affects a donor splice site in intron 3 of the BCS1L gene. It is expected to disrupt RNA splicing. Variants that disrupt the donor or acceptor splice site typically lead to a loss of protein function (PMID: 16199547), and loss-of-function variants in BCS1L are known to be pathogenic (PMID: 12215968, 17314340, 19162478, 19508421, 22277166, 25895478). This variant is present in population databases (rs386833856, gnomAD 0.007%). Disruption of this splice site has been observed in individuals with GRACILE (growth retardation, aminoaciduria, cholestasis, iron overload, lactacidosis, and early death) syndrome and Björnstad syndrome (PMID: 12215968, 17314340). This variant is also known as 321G>T and IVS2+1G>T. ClinVar contains an entry for this variant (Variation ID: 56412). Algorithms developed to predict the effect of sequence changes on RNA splicing suggest that this variant may disrupt the consensus splice site. For these reasons, this variant has been classified as Pathogenic.

Natera, Inc.
Classification: Likely pathogenic for GRACILE syndrome. Last evaluated: 2025-08-20. Review status: criteria provided, single submitter. Criteria: Natera Variant Classification Schema (03/2026). Collection method: clinical testing. Allele origin: germline.
Comment: The c.320+1G>T variant in BCS1L is a canonical splice donor site variant predicted to affect pre-mRNA splicing, which may result in an abnormal transcript and altered protein product. This variant is expected to result in nonsense mediated decay, truncation, or a dysfunctional protein product. This variant is rare in the general population with a frequency below the threshold expected for the associated phenotype(s). This variant has been observed in one or more individuals affected with the associated recessive disease, as either homozygous or compound heterozygous with a second variant (PMID: 17314340). Given the available evidence, this variant is classified as Likely Pathogenic.

Baylor Genetics
Classification: Pathogenic for Pili torti-deafness syndrome. Last evaluated: 2023-12-04. Review status: criteria provided, single submitter. Criteria: ACMG Guidelines, 2015. Collection method: clinical testing. Allele origin: unknown.

Revvity Omics, Revvity
Classification: Pathogenic. Last evaluated: 2023-05-05. Review status: criteria provided, single submitter. Criteria: ACMG Guidelines, 2015. Collection method: clinical testing. Allele origin: germline.

Women's Health and Genetics/Laboratory Corporation of America, LabCorp
Classification: Likely pathogenic for GRACILE syndrome. Last evaluated: 2022-05-23. Review status: criteria provided, single submitter. Criteria: LabCorp Variant Classification Summary - May 2015. Collection method: clinical testing. Allele origin: germline.
Comment: Variant summary: BCS1L c.320+1G>T alters a conserved nucleotide located in a canonical splice-site and is predicted to affect mRNA splicing resulting in a significantly altered protein due to either exon skipping, shortening, or inclusion of intronic material. Several computational tools predict a significant impact on normal splicing: Four predict the variant abolishes the canonical 5' splicing donor site. However, these predictions have yet to be confirmed by functional studies. The variant allele was found at a frequency of 1.2e-05 in 250504 control chromosomes. c.320+1G>T has been reported in the literature in individuals affected with GRACILE Syndrome (example, Visapaa_2002) and Bjornstad Syndrome (example, Hinson_2007). To our knowledge, no experimental evidence demonstrating an impact on protein function has been reported. Three clinical diagnostic laboratories have submitted clinical-significance assessments for this variant to ClinVar after 2014 without evidence for independent evaluation. Based on the evidence outlined above, the variant was classified as likely pathogenic.

Blueprint Genetics
Classification: Likely pathogenic for BCS1L-related disorders. Last evaluated: 2021-03-04. Review status: criteria provided, single submitter. Criteria: ACMG Guidelines, 2015. Collection method: clinical testing. Allele origin: germline. Affected: yes. Observed: 2 variant alleles.

Ambry Genetics
Classification: Likely pathogenic for Inborn genetic diseases. Last evaluated: 2020-11-05. Review status: criteria provided, single submitter. Criteria: Ambry Variant Classification Scheme 2023. Collection method: clinical testing. Allele origin: germline.
Comment: The c.320+1G>T intronic variant results from a G to T substitution one nucleotide after exon 3 (coding exon 1) of the BCS1L gene. Alterations that disrupt the canonical splice site are expected to result in aberrant splicing. In silico splice site analysis predicts that this alteration will weaken the native splice donor site and will result in the creation or strengthening of a novel splice donor site. The resulting transcript is predicted to disrupt the methionine residue at the initiation codon (ATG) or cause a shift in the mRNA reading frame; however, direct evidence is unavailable. This alteration may escape nonsense-mediated mRNAdecay and/or be prone to rescue by reinitation (Rivas, 2015; Lindeboom, 2016; Rhee, 2017), and would impact the first 120 amino acids of the protein. The exact functional effect of this alteration is unknown; however, the impacted region is critical for protein function and a significant portion of the protein is affected (Ambry internal data). Based on data from the Genome Aggregation Database (gnomAD) database, the BCS1L c.320+1G>T alteration was observed in 0.0012% (3/250504) of total alleles studied. This alteration has been reported in an individual with GRACILE syndrome (Visap&auml;&auml;, 2002) and in trans with another alteration in BCSL1 in an individual with Bj&ouml;rnstad syndrome (Hinson, 2007). This nucleotide position is highly conserved in available vertebrate species. Based on the available evidence, this alteration is classified as likely pathogenic.

GeneDx
Classification: Likely pathogenic. Last evaluated: 2019-10-17. Review status: criteria provided, single submitter. Criteria: GeneDx Variant Classification Process June 2021. Collection method: clinical testing. Allele origin: germline. Affected: yes.
Comment: Canonical splice site variant in a gene for which loss-of-function is a known mechanism of disease; Not observed at a significant frequency in large population cohorts (Lek et al., 2016); This variant is associated with the following publications: (PMID: 25525159, 12215968, 17314340, 25895478)

Counsyl
Classification: Likely pathogenic for GRACILE syndrome. Last evaluated: 2014-09-12. Review status: no assertion criteria provided. Collection method: literature only. Allele origin: unknown. Inheritance: Autosomal recessive inheritance. Not counted in ClinVar's aggregate classification.

Juha Muilu Group; Institute for Molecular Medicine Finland (FIMM)
Classification: Likely pathogenic for GRACILE syndrome. Review status: no assertion criteria provided. Collection method: not provided. Allele origin: unknown. Not counted in ClinVar's aggregate classification.
Comment: FinDis database variant: This variant was not found or characterized by our laboratory, data were collected from public sources: see reference
ClinVar note: Converted during submission from probable-pathogenic to Likely pathogenic.

Literature cited by the submitters: PubMed 16199547 (cited by Labcorp Genetics (formerly Invitae), Labcorp); PubMed 12215968 (cited by 4 submitters); PubMed 17314340 (cited by 4 submitters); PubMed 19162478 (cited by Labcorp Genetics (formerly Invitae), Labcorp); PubMed 19508421 (cited by Labcorp Genetics (formerly Invitae), Labcorp); PubMed 22277166 (cited by Labcorp Genetics (formerly Invitae), Labcorp); PubMed 25895478 (cited by Labcorp Genetics (formerly Invitae), Labcorp); PubMed 25954003 (cited by Ambry Genetics); PubMed 27618451 (cited by Ambry Genetics); PubMed 28490743 (cited by Ambry Genetics).

NM_001079866.2(BCS1L):c.320+1G>T

Gene: BCS1L (BCS1 ubiquinol-cytochrome c reductase complex chaperone; plus strand). Cytogenetic location: 2q35.
Variant type: single nucleotide variant.
Coding change: c.320+1G>T on transcript NM_001079866.2 (MANE Select); the canonical splice donor site of the intron after coding-DNA position 320, G replaced by T.
Molecular consequence: splice donor variant. On other transcripts: intron variant (3).
Genome position (GRCh38, 1-based): chr2:218,661,308, G>T. VCF-style: chr2-218661308-G-T. GRCh37 (hg19) VCF-style: chr2-219526031-G-T.
Other names: c.320+1G>T (NM_001374085.1, NM_001371446.1, NM_001371450.1 and 10 more transcripts); c.-157+1G>T (NM_001374086.1, NM_001371454.1, NM_001371453.1 and 2 more transcripts); c.-40-98G>T (NM_001371451.1, NM_001318836.2); c.-41-451G>T (NM_001371452.1).
Identifiers: ClinVar variation 56412 (VCV000056412.30), dbSNP rs386833856, ClinGen allele CA144344.